The following is an entry in ClinVar:

NM_004656.4(BAP1):c.858G>A (p.Lys286=)

Gene: BAP1 (BRCA1 associated deubiquitinase 1; minus strand). Cytogenetic location: 3p21.1.
Variant type: single nucleotide variant.
Coding change: c.858G>A on transcript NM_004656.4 (MANE Select); coding-DNA position 858, G replaced by A.
Protein change: p.Lys286=; no amino-acid change (lysine 286 retained).
Molecular consequence: synonymous variant.
Genome position (GRCh38, 1-based): chr3:52,405,838, C>T on the plus strand (G>A on the coding strand, the complement: BAP1 is on the minus strand). VCF-style: chr3-52405838-C-T. GRCh37 (hg19) VCF-style: chr3-52439854-C-T.
Identifiers: ClinVar variation 628944 (VCV000628944.12), dbSNP rs770969452, ClinGen allele CA433775674.
Genomic context (GRCh38, chr3:52,405,838, plus strand): 5'-CTCAGAGGCTGCAGGGGCCCTGTTTGCTTCCAGCACCAGCGGGGACTTGTTGCTGGCTGA[C>T]TTGGACTCCTCAGGCAGCTGTGACTCTTGAGACTTGTGGGTCTGAATCAGCTCTGGCTGT-3'
Protein context (NP_004647.1, residues 276-296): SQESQLPEES[Lys286=]SASNKSPLVL

ClinVar aggregate classification (germline): Benign/Likely benign. Review status: criteria provided, multiple submitters, no conflicts (2 of 4 stars). 4 submissions from 4 submitters: Benign (1); Likely benign (3). Last evaluated 2026-01-10.

Conditions:
Hereditary cancer-predisposing syndrome. Also called: Neoplastic Syndromes, Hereditary; Tumor predisposition; Hereditary neoplastic syndrome; Hereditary Cancer Syndrome. Identifiers: Orphanet 140162, MedGen C0027672, MeSH D009386, MONDO:0015356.
BAP1-related tumor predisposition syndrome (TPDS1). Also called: Tumor susceptibility linked to germline BAP1 mutations; BAP1 tumor predisposition syndrome; TUMOR PREDISPOSITION SYNDROME 1; COMMON Syndrome. Identifiers: Orphanet 289539, MedGen C3280492, MONDO:0013692, OMIM 614327.

Allele frequency attached by ClinVar (database versions not stated): gnomAD exomes below 0.00001.
gnomAD v4.1: 1 of 1,614,128 alleles (0.000062%); highest among the groups gnomAD compares: East Asian, 0.0022%; no homozygotes.

Submissions (4):

Labcorp Genetics (formerly Invitae), Labcorp
Classification: Likely benign for BAP1-related tumor predisposition syndrome. Last evaluated: 2026-01-10. Review status: criteria provided, single submitter. Criteria: Invitae Variant Classification Sherloc (09022015). Collection method: clinical testing. Allele origin: germline.

Myriad Genetics, Inc.
Classification: Benign for BAP1-related tumor predisposition syndrome. Last evaluated: 2024-07-15. Review status: criteria provided, single submitter. Criteria: Myriad Autosomal Dominant, Autosomal Recessive and X-Linked Classification Criteria (2023). Collection method: clinical testing. Allele origin: unknown.
Comment: This variant is considered benign. This variant is a silent/synonymous amino acid change and it is not expected to impact splicing.

Ambry Genetics
Classification: Likely benign for Hereditary cancer-predisposing syndrome. Last evaluated: 2021-11-05. Review status: criteria provided, single submitter. Criteria: Ambry Variant Classification Scheme 2023. Collection method: clinical testing. Allele origin: germline.

Color Diagnostics, LLC DBA Color Health
Classification: Likely benign for Hereditary cancer-predisposing syndrome. Last evaluated: 2018-08-01. Review status: criteria provided, single submitter. Criteria: ACMG Guidelines, 2015. Collection method: clinical testing. Allele origin: germline.